The following is an entry in ClinVar:

ClinVar aggregate classification (germline): Conflicting classifications of pathogenicity. Review status: criteria provided, conflicting classifications (1 of 4 stars). 3 submissions from 3 submitters: Uncertain significance (2); Likely benign (1). Last evaluated 2026-09-01.

Conditions:
Inborn genetic diseases. Identifiers: MedGen C0950123, MeSH D030342.
Wilms tumor 1 (WT1). Also called: Wilms tumor, somatic. Identifiers: Orphanet 654, MedGen CN033288, MONDO:0008679, OMIM 194070.
11p partial monosomy syndrome (WAGR). Also called: WAGR syndrome; WAGR Complex; CHROMOSOME 11p13 DELETION SYNDROME; WAGR Spectrum Disorder. Identifiers: Orphanet 893, MedGen C0206115, MONDO:0008681, OMIM 194072.
Drash syndrome (DDS). Also called: WILMS TUMOR AND PSEUDO- OR TRUE HERMAPHRODITISM; NEPHROPATHY, WILMS TUMOR, AND GENITAL ANOMALIES. Identifiers: Orphanet 220, MedGen C0950121, MONDO:0008682, OMIM 194080.
Frasier syndrome. Identifiers: Orphanet 347, MedGen C0950122, MeSH D052159, MONDO:0007635, OMIM 136680.
Meacham syndrome. Also called: Meacham Winn Culler syndrome. Identifiers: Orphanet 3097, MedGen C1837026, MONDO:0012164, OMIM 608978.
Mesothelioma, malignant (MESOM). Also called: Malignant mesothelioma (disease). Identifiers: Orphanet 50251, MedGen C0345967, MONDO:0006292, OMIM 156240, HP:0100001.
Nephrotic syndrome, type 4 (NPHS4). Also called: Familial mesangial sclerosis; Nephrotic syndrome, early onset with diffuse mesangial sclerosis. Identifiers: Orphanet 656, MedGen C3151568, MONDO:0009733, OMIM 256370.

gnomAD v4.1: 1 of 1,513,792 alleles (0.000066%); no homozygotes.

Submissions (3):

Ambry Genetics
Classification: Likely benign for Inborn genetic diseases. Last evaluated: 2026-09-01. Review status: criteria provided, single submitter. Criteria: Ambry Variant Classification Scheme 2023. Collection method: clinical testing. Allele origin: germline.

Fulgent Genetics
Classification: Uncertain significance for Frasier syndrome; Mesothelioma, malignant; Wilms tumor 1; Drash syndrome; Nephrotic syndrome, type 4; Meacham syndrome. Last evaluated: 2024-01-20. Review status: criteria provided, single submitter. Criteria: ACMG Guidelines, 2015. Collection method: clinical testing. Allele origin: germline.

Labcorp Genetics (formerly Invitae), Labcorp
Classification: Uncertain significance for Wilms tumor 1; Drash syndrome; 11p partial monosomy syndrome; Frasier syndrome. Last evaluated: 2021-02-23. Review status: criteria provided, single submitter. Criteria: Invitae Variant Classification Sherloc (09022015). Collection method: clinical testing. Allele origin: germline.
Comment: This sequence change replaces glycine with serine at codon 121 of the WT1 protein (p.Gly121Ser). The glycine residue is moderately conserved and there is a small physicochemical difference between glycine and serine. The frequency data for this variant in the population databases is considered unreliable, as metrics indicate insufficient coverage at this position in the ExAC database. This variant has not been reported in the literature in individuals with WT1-related conditions. Algorithms developed to predict the effect of missense changes on protein structure and function (SIFT, PolyPhen-2, Align-GVGD) all suggest that this variant is likely to be tolerated, but these predictions have not been confirmed by published functional studies and their clinical significance is uncertain. Algorithms developed to predict the effect of sequence changes on RNA splicing suggest that this variant may create or strengthen a splice site, but this prediction has not been confirmed by published transcriptional studies. In summary, the available evidence is currently insufficient to determine the role of this variant in disease. Therefore, it has been classified as a Variant of Uncertain Significance.

NM_024426.6(WT1):c.376G>A (p.Gly126Ser)

Genes: WT1 (WT1 transcription factor; minus strand), LOC107982234 (WT1/WT1-AS bi-directional promoter region; plus strand). Cytogenetic location: 11p13.
Variant type: single nucleotide variant.
Coding change: c.376G>A on transcript NM_024426.6 (MANE Select); coding-DNA position 376, G replaced by A.
Protein change: p.Gly126Ser; replaces glycine 126 with serine.
Molecular consequence: missense variant. On other transcripts: non-coding transcript variant (1).
Genome position (GRCh38, 1-based): chr11:32,434,985, C>T on the plus strand (G>A on the coding strand, the complement: WT1 is on the minus strand). VCF-style: chr11-32434985-C-T. GRCh37 (hg19) VCF-style: chr11-32456531-C-T.
Other names: c.376G>A, p.Gly126Ser (NM_000378.6, NM_024424.5); c.361G>A (NM_024426.4); short protein forms G126S.
Identifiers: ClinVar variation 1379661 (VCV001379661.10), dbSNP rs1853454814, ClinGen allele CA379965821.